The following is an entry in ClinVar:

ClinVar aggregate classification (germline): Likely pathogenic (1 of 4 stars; one submission).

Conditions:
Gorlin syndrome. Also called: Nevoid Basal Cell Carcinoma Syndrome; Basal cell nevus syndrome. Identifiers: Orphanet 377, MedGen C0004779, MONDO:0007187.

Submission:

Labcorp Genetics (formerly Invitae), Labcorp
Classification: Likely pathogenic for Gorlin syndrome. Last evaluated: 2019-08-29. Review status: criteria provided, single submitter. Criteria: Invitae Variant Classification Sherloc (09022015). Collection method: clinical testing. Allele origin: germline.
Comment: Loss-of-function variants in PTCH1 are known to be pathogenic (PMID: 16301862, 16419085). In summary, the currently available evidence indicates that the variant is pathogenic, but additional data are needed to prove that conclusively. Therefore, this variant has been classified as Likely Pathogenic. This variant has not been reported in the literature in individuals with PTCH1-related conditions. This variant results in the deletion of part of exon 20 (c.3307-115_3339del) of the PTCH1 gene. It is expected to disrupt RNA splicing and likely results in an absent or disrupted protein product.

Literature cited by the submitters: PubMed 16301862; PubMed 16419085.

NM_000264.5(PTCH1):c.3307-115_3339del

Gene: PTCH1 (patched 1; minus strand). Cytogenetic location: 9q22.32.
Variant type: Deletion.
Coding change: c.3307-115_3339del on transcript NM_000264.5 (MANE Select); 115 bases into the intron before coding-DNA position 3307 through coding-DNA position 3339, 148 bases deleted.
Molecular consequence: splice acceptor variant.
Genome position (GRCh38, 1-based): chr9:95,453,588-95,453,735, 148 bases deleted. GRCh37 (hg19): chr9:98,215,870-98,216,017.
Other names: c.3304-115_3336del (NM_001083603.3); c.3109-115_3141del (NM_001083602.3); c.3151-115_3183del (NM_001354918.2); c.2854-115_2886del (NM_001083605.3, NM_001083604.3, NM_001083606.3 and 1 more transcripts).
Identifiers: ClinVar variation 940007 (VCV000940007.8), dbSNP rs1838664702, ClinGen allele CA1139661042.